The following is an entry in ClinVar:

NM_001349206.2(LPIN1):c.838G>A (p.Gly280Ser)

Genes: LPIN1 (lipin 1; plus strand), LOC126806147 (CDK7 strongly-dependent group 2 enhancer GRCh37_chr2:11919054-11920253; plus strand). Cytogenetic location: 2p25.1.
Variant type: single nucleotide variant.
Coding change: c.838G>A on transcript NM_001349206.2 (MANE Select); coding-DNA position 838, G replaced by A.
Protein change: p.Gly280Ser; replaces glycine 280 with serine.
Molecular consequence: missense variant. On other transcripts: non-coding transcript variant (1).
Genome position (GRCh38, 1-based): chr2:11,779,526, G>A. VCF-style: chr2-11779526-G-A. GRCh37 (hg19) VCF-style: chr2-11919652-G-A.
Other names: c.730G>A (NM_145693.1); c.748G>A, p.Gly250Ser (NM_001261427.3); c.985G>A, p.Gly329Ser (NM_001261428.3); c.730G>A, p.Gly244Ser (NM_001349199.2, NM_001349200.2, NM_001349201.2 and 1 more transcripts); c.835G>A, p.Gly279Ser (NM_001349202.2, NM_001349203.2); c.838G>A, p.Gly280Ser (NM_001349204.2, NM_001349205.2); c.928G>A, p.Gly310Ser (NM_001349207.2); c.877G>A, p.Gly293Ser (NM_001349208.2); short protein forms G280S, G329S, G244S, G250S, G310S, G279S, G293S.
Identifiers: ClinVar variation 2069756 (VCV002069756.3), dbSNP rs367859334, ClinGen allele CA1533528.

ClinVar aggregate classification (germline): Uncertain significance. Review status: criteria provided, multiple submitters, no conflicts (2 of 4 stars). 2 submissions from 2 submitters: Uncertain significance (2). Last evaluated 2025-05-25.

Conditions:
Inborn genetic diseases. Identifiers: MedGen C0950123, MeSH D030342.

Allele frequency attached by ClinVar (database versions not stated): ExAC 0.00002; gnomAD 0.00005; TOPMed 0.00006; ESP Exome Variant Server 0.00008.
gnomAD v4.1: 45 of 1,613,372 alleles (0.0028%); highest among the groups gnomAD compares: Admixed American, 0.022%; no homozygotes.

Submissions (3):

Ambry Genetics
Classification: Uncertain significance for Inborn genetic diseases. Last evaluated: 2025-05-25. Review status: criteria provided, single submitter. Criteria: Ambry Variant Classification Scheme 2023. Collection method: clinical testing. Allele origin: germline.

Labcorp Genetics (formerly Invitae), Labcorp
Classification: Uncertain significance. Last evaluated: 2022-07-30. Review status: criteria provided, single submitter. Criteria: Invitae Variant Classification Sherloc (09022015). Collection method: clinical testing. Allele origin: germline.
Comment: This sequence change replaces glycine, which is neutral and non-polar, with serine, which is neutral and polar, at codon 244 of the LPIN1 protein (p.Gly244Ser). This variant is present in population databases (rs367859334, gnomAD 0.02%). This variant has not been reported in the literature in individuals affected with LPIN1-related conditions. Algorithms developed to predict the effect of missense changes on protein structure and function (SIFT, PolyPhen-2, Align-GVGD) all suggest that this variant is likely to be tolerated. In summary, the available evidence is currently insufficient to determine the role of this variant in disease. Therefore, it has been classified as a Variant of Uncertain Significance.

Dr. Peter K. Rogan Lab, Western University
No classification provided (evidence only). Condition: Thymoma. Review status: no classification provided. Collection method: in vitro. Allele origin: not applicable. Functional consequence: retained intron. Not counted in ClinVar's aggregate classification.